The following is an entry in ClinVar:

ClinVar aggregate classification (germline): Likely benign (1 of 4 stars; one submission).

Allele frequency attached by ClinVar (database versions not stated): gnomAD 0.00001.
gnomAD v4.1: 1 of 1,599,630 alleles (0.000063%); highest among the groups gnomAD compares: Non-Finnish European, 0.000085%; no homozygotes.

Submission:

GeneDx
Classification: Likely benign. Last evaluated: 2023-12-14. Review status: criteria provided, single submitter. Criteria: GeneDx Variant Classification Process June 2021. Collection method: clinical testing. Allele origin: germline.
Comment: See Variant Classification Assertion Criteria.

NM_016628.5(WAC):c.390T>G (p.Asp130Glu)

Gene: WAC (WW domain containing adaptor with coiled-coil; plus strand). Cytogenetic location: 10p12.1.
Variant type: single nucleotide variant.
Coding change: c.390T>G on transcript NM_016628.5 (MANE Select); coding-DNA position 390, T replaced by G.
Protein change: p.Asp130Glu; replaces aspartic acid 130 with glutamic acid.
Molecular consequence: missense variant.
Genome position (GRCh38, 1-based): chr10:28,589,744, T>G. VCF-style: chr10-28589744-T-G. GRCh37 (hg19) VCF-style: chr10-28878673-T-G.
Other names: c.255T>G, p.Asp85Glu (NM_100264.3); c.390T>G, p.Asp130Glu (NM_100486.4); short protein forms D130E, D85E.
Identifiers: ClinVar variation 2503377 (VCV002503377.2), dbSNP rs1360254676, ClinGen allele CA376401238.